The following is an entry in ClinVar:

ClinVar aggregate classification (germline): Likely benign. Review status: criteria provided, single submitter (1 of 4 stars). 2 submissions from 2 submitters: Likely benign (1). 1 of the submissions does not count toward it. Last evaluated 2023-12-06.

Conditions:
ITPR1-related disorder. Also called: ITPR1-related condition.

Allele frequency attached by ClinVar (database versions not stated): ExAC 0.00001; gnomAD exomes 0.00001.
gnomAD v4.1: 15 of 1,613,992 alleles (0.00093%); highest among the groups gnomAD compares: South Asian, 0.016%; no homozygotes.

Submissions (2):

Labcorp Genetics (formerly Invitae), Labcorp
Classification: Likely benign. Last evaluated: 2023-12-06. Review status: criteria provided, single submitter. Criteria: Invitae Variant Classification Sherloc (09022015). Collection method: clinical testing. Allele origin: germline.

PreventionGenetics, part of Exact Sciences
Classification: Likely benign for ITPR1-related condition. Last evaluated: 2019-05-28. Review status: no assertion criteria provided. Collection method: clinical testing. Allele origin: germline. Not counted in ClinVar's aggregate classification.
Comment: This variant is classified as likely benign based on ACMG/AMP sequence variant interpretation guidelines (Richards et al. 2015 PMID: 25741868, with internal and published modifications).

NM_001378452.1(ITPR1):c.4080T>C (p.Ser1360=)

Gene: ITPR1 (inositol 1,4,5-trisphosphate receptor type 1; plus strand). Cytogenetic location: 3p26.1.
Variant type: single nucleotide variant.
Coding change: c.4080T>C on transcript NM_001378452.1 (MANE Select); coding-DNA position 4080, T replaced by C.
Protein change: p.Ser1360=; no amino-acid change (serine 1360 retained).
Molecular consequence: synonymous variant.
Genome position (GRCh38, 1-based): chr3:4,693,540, T>C. VCF-style: chr3-4693540-T-C. GRCh37 (hg19) VCF-style: chr3-4735224-T-C.
Other names: c.4053T>C, p.Ser1351= (NM_001099952.4); c.4035T>C, p.Ser1345= (NM_001168272.2); c.4008T>C, p.Ser1336= (NM_002222.7); c.4008T>C (NM_002222.5).
Identifiers: ClinVar variation 1902513 (VCV001902513.7), dbSNP rs773362827, ClinGen allele CA2231891.